The following is an entry in ClinVar:

NM_001267550.2(TTN):c.100978G>A (p.Glu33660Lys)

Genes: TTN-AS1 (TTN antisense RNA 1; plus strand), TTN (titin; minus strand). Cytogenetic location: 2q31.2.
Variant type: single nucleotide variant.
Coding change: c.100978G>A on transcript NM_001267550.2 (MANE Select); coding-DNA position 100978, G replaced by A.
Protein change: p.Glu33660Lys; replaces glutamic acid 33660 with lysine.
Molecular consequence: missense variant.
Genome position (GRCh38, 1-based): chr2:178,535,637, C>T on the plus strand (G>A on the coding strand, the complement: TTN is on the minus strand). VCF-style: chr2-178535637-C-T. GRCh37 (hg19) VCF-style: chr2-179400364-C-T.
Other names: c.96055G>A, p.Glu32019Lys (NM_001256850.1); c.73783G>A, p.Glu24595Lys (NM_003319.4); c.93274G>A, p.Glu31092Lys (NM_133378.4); c.74158G>A, p.Glu24720Lys (NM_133432.3); c.74359G>A, p.Glu24787Lys (NM_133437.4); short protein forms E33660K, E24787K, E32019K, E24720K, E31092K, E24595K.
Identifiers: ClinVar variation 4791654 (VCV004791654.1).

ClinVar aggregate classification (germline): Uncertain significance (1 of 4 stars; one submission).

Conditions:
Autosomal recessive limb-girdle muscular dystrophy type 2J (LGMDR10). Also called: Limb-girdle muscular dystrophy, type 2J; MUSCULAR DYSTROPHY, LIMB-GIRDLE, AUTOSOMAL RECESSIVE 10. Identifiers: Orphanet 140922, MedGen C1837342, MONDO:0012127, OMIM 608807.
Dilated cardiomyopathy 1G (CMD1G). Identifiers: Orphanet 154, MedGen C1858763, MONDO:0011400, OMIM 604145.

gnomAD v4.1: 1 of 1,613,844 alleles (0.000062%); highest among the groups gnomAD compares: Admixed American, 0.0017%; no homozygotes.

Submission:

Labcorp Genetics (formerly Invitae), Labcorp
Classification: Uncertain significance for Dilated cardiomyopathy 1G; Autosomal recessive limb-girdle muscular dystrophy type 2J. Last evaluated: 2026-01-10. Review status: criteria provided, single submitter. Criteria: Invitae Variant Classification Sherloc (09022015). Collection method: clinical testing. Allele origin: germline.
Comment: This sequence change replaces glutamic acid, which is acidic and polar, with lysine, which is basic and polar, at codon 33660 of the TTN protein (p.Glu33660Lys). This variant is present in population databases (no rsID available, gnomAD 0.003%). This variant has not been reported in the literature in individuals affected with TTN-related conditions. Experimental studies and prediction algorithms are not available or were not evaluated, and the functional significance of this variant is currently unknown. This variant is located in the M band of TTN (PMID: 25589632). Non-truncating variants in this region may be relevant for neuromuscular disorders, but have not been definitively shown to cause cardiomyopathy (PMID: 23975875). In summary, the available evidence is currently insufficient to determine the role of this variant in disease. Therefore, it has been classified as a Variant of Uncertain Significance.

Literature cited by the submitters: PubMed 25589632; PubMed 23975875.